The following continues an entry in ClinVar:

NM_000059.4(BRCA2):c.964A>C (p.Lys322Gln)

Gene: BRCA2. ClinVar aggregate classification (germline): Benign. Benign (1).

Submissions 15 to 21 of 21:

Biesecker Lab/Clinical Genomics Section, National Institutes of Health
Classification: Uncertain significance. Last evaluated: 2012-07-13. Review status: no assertion criteria provided. Collection method: research. Allele origin: germline. Affected: no. Observed: 1 variant allele. Study: ClinSeq. Not counted in ClinVar's aggregate classification.
ClinVar note: Converted during submission from variant of unknown significance to Uncertain significance.

Sharing Clinical Reports Project (SCRP)
Classification: Benign for Breast-ovarian cancer, familial 2. Last evaluated: 2011-03-10. Review status: no assertion criteria provided. Collection method: clinical testing. Allele origin: germline. Not counted in ClinVar's aggregate classification.

Breast Cancer Information Core (BIC) (BRCA2)
Classification: Uncertain significance for Breast-ovarian cancer, familial 2. Last evaluated: 2002-05-29. Review status: no assertion criteria provided. Collection method: clinical testing. Allele origin: germline. Affected: yes. Observed: 11 variant alleles. Not counted in ClinVar's aggregate classification.

Department of Pathology and Laboratory Medicine, Sinai Health System
Classification: Uncertain significance for Malignant tumor of breast. Review status: no assertion criteria provided. Collection method: clinical testing. Allele origin: unknown. Affected: yes. Observed: 1 variant allele. Study: The Canadian Open Genetics Repository (COGR). Not counted in ClinVar's aggregate classification.
Comment: The p.Lys322Gln variant was identified in 7 of 5142 proband chromosomes from individuals with breast cancer, ovarian cancer, or hepatocellular carcinoma, and was absent in 88 control chromosomes (Borg 2010, Carney 2010, Katagiri 1996, Sugano 2008); however, an insufficient number of controls were included in these studies to determine the frequency of this variant in the general population. The variant was also identified in dbSNP (ID: rs11571640) â€šÃ„ÃºWith unknown alleleâ€šÃ„Ã¹, HGMD, and the BIC database (11X with unknown clinical importance). The variant was listed in 1000 Genomes Project with a frequency of 0.001, and the Japanese HapMap-JPT cohort with frequency of 0.006, increasing the likelihood that this may be a low frequency benign variant in certain populations of origin. This residue is conserved in mammals; however, computational analyses (PolyPhen-2, SIFT, AlignGVGD, BLOSUM) provide inconsistent predictions regarding the impact to the protein and this information is not very predictive of pathogenicity. One study predicted this variant to have no effect on cancer risk; however, this was limited to an in silico analysis (Capanu 2011). In summary, based on the above information, the clinical significance of this variant cannot be determined with certainty at this time. This variant is classified as a variant of unknown significance.

Laboratory of Molecular Epidemiology of Birth Defects, West China Second University Hospital, Sichuan University
Classification: Likely pathogenic for Ovarian cancer. Last evaluated: 2022-01-01. Review status: flagged submission. Criteria: ACMG Guidelines, 2015. Collection method: clinical testing. Allele origin: germline. Affected: yes. Not counted in ClinVar's aggregate classification.
ClinVar note: Reason: Outlier claim with insufficient supporting evidence

Soonchunhyang University Bucheon Hospital, Soonchunhyang University Medical Center
Classification: Uncertain significance for Breast-ovarian cancer, familial, susceptibility to, 2. Last evaluated: 2016-03-18. Review status: flagged submission. Criteria: ACMG Guidelines, 2015. Collection method: reference population. Allele origin: germline. Observed: 1 variant allele. Not counted in ClinVar's aggregate classification.
ClinVar note: Reason: Outlier claim with insufficient supporting evidence

Clinical and Functional Genomics Group, A.C.Camargo Cancer Center
Classification: Uncertain significance for Breast Cancer. Review status: flagged submission. Criteria: Silva et al. (BMC Med Genet. 2014). Collection method: research. Allele origin: germline. Affected: yes. Not counted in ClinVar's aggregate classification.
ClinVar note: Reason: Outlier claim with insufficient supporting evidence

Literature cited by the submitters: PubMed 26692440 (cited by Quest Diagnostics Nichols Institute San Juan Capistrano and Women's Health and Genetics/Laboratory Corporation of America, LabCorp); PubMed 20104584 (cited by Quest Diagnostics Nichols Institute San Juan Capistrano and Women's Health and Genetics/Laboratory Corporation of America, LabCorp); PubMed 19016756 (cited by 4 submitters); PubMed 18779604 (cited by Quest Diagnostics Nichols Institute San Juan Capistrano and Women's Health and Genetics/Laboratory Corporation of America, LabCorp); PubMed 15168169 (cited by 4 submitters); PubMed 8840963 (cited by 5 submitters); PubMed 21520273 (cited by 4 submitters); PubMed 26332594 (cited by Quest Diagnostics Nichols Institute San Juan Capistrano); PubMed 25802882 (cited by Quest Diagnostics Nichols Institute San Juan Capistrano and Illumina Laboratory Services, Illumina); PubMed 21218378 (cited by 3 submitters); PubMed 24884479 (cited by 3 submitters); PubMed 33471991 (cited by Quest Diagnostics Nichols Institute San Juan Capistrano); PubMed 31131967 (cited by Quest Diagnostics Nichols Institute San Juan Capistrano); PubMed 30287823 (cited by Quest Diagnostics Nichols Institute San Juan Capistrano); PubMed 32467295 (cited by Quest Diagnostics Nichols Institute San Juan Capistrano); PubMed 23729402 (cited by Women's Health and Genetics/Laboratory Corporation of America, LabCorp); PubMed 23469205 (cited by Clinical and Functional Genomics Group, A.C.Camargo Cancer Center).